The following is an entry in ClinVar:

NM_003978.5(PSTPIP1):c.899G>A (p.Gly300Asp)

Gene: PSTPIP1 (proline-serine-threonine phosphatase interacting protein 1; plus strand). Cytogenetic location: 15q24.3.
Variant type: single nucleotide variant.
Coding change: c.899G>A on transcript NM_003978.5 (MANE Select); coding-DNA position 899, G replaced by A.
Protein change: p.Gly300Asp; replaces glycine 300 with aspartic acid.
Molecular consequence: missense variant. On other transcripts: intron variant (1).
Genome position (GRCh38, 1-based): chr15:77,032,922, G>A. VCF-style: chr15-77032922-G-A. GRCh37 (hg19) VCF-style: chr15-77325263-G-A.
Other names: c.872G>A, p.Gly291Asp (NM_001321136.2); c.1094G>A, p.Gly365Asp (NM_001321137.1); c.899G>A, p.Gly300Asp (NM_001411086.1); c.872+494G>A (NM_001321135.2); short protein forms G291D, G300D, G365D.
Identifiers: ClinVar variation 3665040 (VCV003665040.2).

ClinVar aggregate classification (germline): Uncertain significance (1 of 4 stars; one submission).

Conditions:
Pyogenic arthritis-pyoderma gangrenosum-acne syndrome (PAPA). Also called: PAPA SYNDROME; FAMILIAL RECURRENT ARTHRITIS. Identifiers: Orphanet 69126, MedGen C1858361, MONDO:0011462, OMIM 604416.

Submission:

Labcorp Genetics (formerly Invitae), Labcorp
Classification: Uncertain significance for Pyogenic arthritis-pyoderma gangrenosum-acne syndrome. Last evaluated: 2024-10-12. Review status: criteria provided, single submitter. Criteria: Invitae Variant Classification Sherloc (09022015). Collection method: clinical testing. Allele origin: germline.
Comment: This sequence change replaces glycine, which is neutral and non-polar, with aspartic acid, which is acidic and polar, at codon 300 of the PSTPIP1 protein (p.Gly300Asp). This variant is not present in population databases (gnomAD no frequency). This variant has not been reported in the literature in individuals affected with PSTPIP1-related conditions. Invitae Evidence Modeling of protein sequence and biophysical properties (such as structural, functional, and spatial information, amino acid conservation, physicochemical variation, residue mobility, and thermodynamic stability) indicates that this missense variant is not expected to disrupt PSTPIP1 protein function with a negative predictive value of 80%. In summary, the available evidence is currently insufficient to determine the role of this variant in disease. Therefore, it has been classified as a Variant of Uncertain Significance.